The following is an entry in ClinVar:

ClinVar aggregate classification (germline): Uncertain significance. Review status: criteria provided, single submitter (1 of 4 stars). 2 submissions from 2 submitters: Uncertain significance (1). 1 of the submissions does not count toward it. Last evaluated 2022-04-01.

Conditions:
Retinal dystrophy. Also called: Inherited retinal dystrophy. Identifiers: Orphanet 71862, MedGen C0854723, MeSH D058499, MONDO:0019118, HP:0000556.

Allele frequency attached by ClinVar (database versions not stated): gnomAD exomes below 0.00001 and 0.00001; ExAC 0.00001.

Submissions (2):

Labcorp Genetics (formerly Invitae), Labcorp
Classification: Uncertain significance. Last evaluated: 2022-04-01. Review status: criteria provided, single submitter. Criteria: Invitae Variant Classification Sherloc (09022015). Collection method: clinical testing. Allele origin: germline.
Comment: In summary, the available evidence is currently insufficient to determine the role of this variant in disease. Therefore, it has been classified as a Variant of Uncertain Significance. Algorithms developed to predict the effect of sequence changes on RNA splicing suggest that this variant may disrupt the consensus splice site. Algorithms developed to predict the effect of missense changes on protein structure and function (SIFT, PolyPhen-2, Align-GVGD) all suggest that this variant is likely to be tolerated. This variant has not been reported in the literature in individuals affected with ADIPOR1-related conditions. This variant is present in population databases (rs773404208, gnomAD 0.0009%). This sequence change replaces valine, which is neutral and non-polar, with isoleucine, which is neutral and non-polar, at codon 41 of the ADIPOR1 protein (p.Val41Ile).

Institute of Human Genetics, Univ. Regensburg, Univ. Regensburg
Classification: Uncertain significance for Retinal dystrophy. Last evaluated: 2022-01-01. Review status: no assertion criteria provided. Criteria: ACMG Guidelines, 2015. Collection method: clinical testing. Allele origin: germline. Affected: yes. Not counted in ClinVar's aggregate classification.

NM_015999.6(ADIPOR1):c.121G>A (p.Val41Ile)

Gene: ADIPOR1 (adiponectin receptor 1; minus strand). Cytogenetic location: 1q32.1.
Variant type: single nucleotide variant.
Coding change: c.121G>A on transcript NM_015999.6 (MANE Select); coding-DNA position 121, G replaced by A.
Protein change: p.Val41Ile; replaces valine 41 with isoleucine.
Molecular consequence: missense variant.
Genome position (GRCh38, 1-based): chr1:202,950,950, C>T on the plus strand (G>A on the coding strand, the complement: ADIPOR1 is on the minus strand). VCF-style: chr1-202950950-C-T. GRCh37 (hg19) VCF-style: chr1-202920078-C-T.
Other names: c.121G>A, p.Val41Ile (NM_001290553.2, NM_001290557.1, NM_001290629.1); short protein forms V41I.
Identifiers: ClinVar variation 1498221 (VCV001498221.7), dbSNP rs773404208, ClinGen allele CA1336027.